The following is an entry in ClinVar:

ClinVar aggregate classification (germline): Pathogenic (1 of 4 stars; one submission).

Submission:

GeneDx
Classification: Pathogenic. Last evaluated: 2015-08-06. Review status: criteria provided, single submitter. Criteria: GeneDx Variant Classification (06012015). Collection method: clinical testing. Allele origin: germline. Affected: yes.
Comment: The Q477X nonsense variant in the ATP2A2 gene is predicted to cause loss of normal protein functioneither through protein truncation or nonsense-mediated mRNA decay. It was not observed inapproximately 6,500 individuals of European and African American ancestry in the NHLBI ExomeSequencing Project, indicating it is not a common benign variant in these populations. Although thisvariant has not been reported previously to our knowledge, we consider it to be pathogenic.

NM_170665.4(ATP2A2):c.1429C>T (p.Gln477Ter)

Gene: ATP2A2 (ATPase sarcoplasmic/endoplasmic reticulum Ca2+ transporting 2; plus strand). Cytogenetic location: 12q24.11.
Variant type: single nucleotide variant.
Coding change: c.1429C>T on transcript NM_170665.4 (MANE Select); coding-DNA position 1429, C replaced by T.
Protein change: p.Gln477Ter; replaces glutamine 477 with a stop codon.
Molecular consequence: nonsense.
Genome position (GRCh38, 1-based): chr12:110,339,290, C>T. VCF-style: chr12-110339290-C-T. GRCh37 (hg19) VCF-style: chr12-110777095-C-T.
Other names: c.1429C>T, p.Gln477Ter (NM_001681.4); short protein forms Q477*.
Identifiers: ClinVar variation 419479 (VCV000419479.2), dbSNP rs1064793900, ClinGen allele CA16619432.